The following is an entry in ClinVar:

NM_004304.5(ALK):c.256G>T (p.Glu86Ter)

Gene: ALK (ALK receptor tyrosine kinase; minus strand). Cytogenetic location: 2p23.1.
Variant type: single nucleotide variant.
Coding change: c.256G>T on transcript NM_004304.5 (MANE Select); coding-DNA position 256, G replaced by T.
Protein change: p.Glu86Ter; replaces glutamic acid 86 with a stop codon.
Molecular consequence: nonsense.
Genome position (GRCh38, 1-based): chr2:29,920,404, C>A on the plus strand (G>T on the coding strand, the complement: ALK is on the minus strand). VCF-style: chr2-29920404-C-A. GRCh37 (hg19) VCF-style: chr2-30143270-C-A.
Other names: short protein forms E86*.
Identifiers: ClinVar variation 2839866 (VCV002839866.3), dbSNP rs1448609696, ClinGen allele CA346590391.

ClinVar aggregate classification (germline): Uncertain significance (1 of 4 stars; one submission).

Conditions:
Neuroblastoma, susceptibility to, 3. Also called: ALK-Related Neuroblastic Tumor Susceptibility. Identifiers: Orphanet 635, MedGen C2751681, MONDO:0013083, OMIM 613014.

gnomAD v4.1: 1 of 1,580,230 alleles (0.000063%); highest among the groups gnomAD compares: Non-Finnish European, 0.000086%; no homozygotes.

Submission:

Labcorp Genetics (formerly Invitae), Labcorp
Classification: Uncertain significance for Neuroblastoma, susceptibility to, 3. Last evaluated: 2023-04-03. Review status: criteria provided, single submitter. Criteria: Invitae Variant Classification Sherloc (09022015). Collection method: clinical testing. Allele origin: germline.
Comment: This variant has not been reported in the literature in individuals affected with ALK-related conditions. In summary, the available evidence is currently insufficient to determine the role of this variant in disease. Therefore, it has been classified as a Variant of Uncertain Significance. This variant is not present in population databases (gnomAD no frequency). This sequence change creates a premature translational stop signal (p.Glu86*) in the ALK gene. It is expected to result in an absent or disrupted protein product. However, the current clinical and genetic evidence is not sufficient to establish whether loss-of-function variants in ALK cause disease.